The following is an entry in ClinVar:

NC_000008.10:g.(?_11408516)_(11412378_?)del

Gene: BLK (BLK proto-oncogene, Src family tyrosine kinase). Cytogenetic location: 8p23.1.
Variant type: Deletion.
Identifiers: ClinVar variation 2424222 (VCV002424222.4).

ClinVar aggregate classification (germline): Uncertain significance (1 of 4 stars; one submission).

Submission:

Labcorp Genetics (formerly Invitae), Labcorp
Classification: Uncertain significance. Last evaluated: 2022-01-03. Review status: criteria provided, single submitter. Criteria: Invitae Variant Classification Sherloc (09022015). Collection method: clinical testing. Allele origin: germline.
Comment: Experimental studies and prediction algorithms are not available or were not evaluated, and the functional significance of this variant is currently unknown. This variant has not been reported in the literature in individuals affected with BLK-related conditions. This variant results in the deletion of part of exon 7 of the BLK gene. It affects a nucleotide within the consensus splice site. Variants that disrupt the consensus splice site are a relatively common cause of aberrant splicing (PMID: 17576681, 9536098). In summary, the available evidence is currently insufficient to determine the role of this variant in disease. Therefore, it has been classified as a Variant of Uncertain Significance.

Literature cited by the submitters: PubMed 17576681; PubMed 9536098.